The following is an entry in ClinVar:

ClinVar aggregate classification (germline): Uncertain significance (1 of 4 stars; one submission).

gnomAD v4.1: 1 of 1,613,782 alleles (0.000062%); highest among the groups gnomAD compares: Admixed American, 0.0017%; no homozygotes.

Submission:

Labcorp Genetics (formerly Invitae), Labcorp
Classification: Uncertain significance. Last evaluated: 2022-10-31. Review status: criteria provided, single submitter. Criteria: Invitae Variant Classification Sherloc (09022015). Collection method: clinical testing. Allele origin: germline.
Comment: In summary, the available evidence is currently insufficient to determine the role of this variant in disease. Therefore, it has been classified as a Variant of Uncertain Significance. Advanced modeling of protein sequence and biophysical properties (such as structural, functional, and spatial information, amino acid conservation, physicochemical variation, residue mobility, and thermodynamic stability) performed at Invitae indicates that this missense variant is not expected to disrupt DLL4 protein function. This variant has not been reported in the literature in individuals affected with DLL4-related conditions. This variant is present in population databases (no rsID available, gnomAD 0.003%). This sequence change replaces proline, which is neutral and non-polar, with threonine, which is neutral and polar, at codon 210 of the DLL4 protein (p.Pro210Thr).

NM_019074.4(DLL4):c.628C>A (p.Pro210Thr)

Gene: DLL4 (delta like canonical Notch ligand 4; plus strand). Cytogenetic location: 15q15.1.
Variant type: single nucleotide variant.
Coding change: c.628C>A on transcript NM_019074.4 (MANE Select); coding-DNA position 628, C replaced by A.
Protein change: p.Pro210Thr; replaces proline 210 with threonine.
Molecular consequence: missense variant.
Genome position (GRCh38, 1-based): chr15:40,931,736, C>A. VCF-style: chr15-40931736-C-A. GRCh37 (hg19) VCF-style: chr15-41223934-C-A.
Other names: short protein forms P210T.
Identifiers: ClinVar variation 2810996 (VCV002810996.3), dbSNP rs1203945452, ClinGen allele CA391807174.